The following is an entry in ClinVar:

ClinVar aggregate classification (germline): Uncertain significance. Review status: criteria provided, multiple submitters, no conflicts (2 of 4 stars). 3 submissions from 3 submitters: Uncertain significance (3). Last evaluated 2025-11-05.

Conditions:
Hereditary cancer-predisposing syndrome. Also called: Neoplastic Syndromes, Hereditary; Tumor predisposition; Hereditary Cancer Syndrome; Hereditary neoplastic syndrome. Identifiers: Orphanet 140162, MedGen C0027672, MeSH D009386, MONDO:0015356.
Waardenburg syndrome type 2A (WS2A). Also called: WAARDENBURG SYNDROME WITHOUT DYSTOPIA CANTHORUM. Identifiers: Orphanet 3440, MedGen C1860339, MONDO:0008671, OMIM 193510.
Tietz syndrome (TADS). Also called: TIETZ ALBINISM-DEAFNESS SYNDROME; HYPOPIGMENTATION/DEAFNESS OF TIETZ; ALBINISM-DEAFNESS OF TIETZ. Identifiers: Orphanet 42665, MedGen C0391816, MONDO:0007077, OMIM 103500.
Melanoma, cutaneous malignant, susceptibility to, 8. Also called: Cutaneous malignant melanoma 8; MELANOMA AND RENAL CELL CARCINOMA, SUSCEPTIBILITY TO. Identifiers: Orphanet 293822, MedGen C3152204, MONDO:0013759, OMIM 614456.

Allele frequency attached by ClinVar (database versions not stated): gnomAD 0.00001; gnomAD exomes 0.00001; TOPMed 0.00002.
gnomAD v4.1: 13 of 1,613,818 alleles (0.00081%); highest among the groups gnomAD compares: East Asian, 0.0022%; no homozygotes.

Submissions (3):

Labcorp Genetics (formerly Invitae), Labcorp
Classification: Uncertain significance for Melanoma, cutaneous malignant, susceptibility to, 8; Waardenburg syndrome type 2A; Tietz syndrome. Last evaluated: 2025-11-05. Review status: criteria provided, single submitter. Criteria: Invitae Variant Classification Sherloc (09022015). Collection method: clinical testing. Allele origin: germline.
Comment: This sequence change replaces glutamic acid, which is acidic and polar, with lysine, which is basic and polar, at codon 17 of the MITF protein (p.Glu17Lys). This variant is present in population databases (no rsID available, gnomAD 0.005%). This variant has not been reported in the literature in individuals affected with MITF-related conditions. ClinVar contains an entry for this variant (Variation ID: 2297452). Invitae Evidence Modeling of protein sequence and biophysical properties (such as structural, functional, and spatial information, amino acid conservation, physicochemical variation, residue mobility, and thermodynamic stability) indicates that this missense variant is expected to disrupt MITF protein function with a positive predictive value of 80%. In summary, the available evidence is currently insufficient to determine the role of this variant in disease. Therefore, it has been classified as a Variant of Uncertain Significance.

GeneDx
Classification: Uncertain significance. Last evaluated: 2023-10-16. Review status: criteria provided, single submitter. Criteria: GeneDx Variant Classification Process June 2021. Collection method: clinical testing. Allele origin: germline. Affected: yes.
Comment: In silico analysis supports that this missense variant has a deleterious effect on protein structure/function; Has not been previously published as pathogenic or benign to our knowledge

Ambry Genetics
Classification: Uncertain significance for Hereditary cancer-predisposing syndrome. Last evaluated: 2022-06-24. Review status: criteria provided, single submitter. Criteria: Ambry Variant Classification Scheme 2023. Collection method: clinical testing. Allele origin: germline.

NM_001354604.2(MITF):c.370G>A (p.Glu124Lys)

Gene: MITF (melanocyte inducing transcription factor; plus strand). Cytogenetic location: 3p13.
Variant type: single nucleotide variant.
Coding change: c.370G>A on transcript NM_001354604.2 (MANE Select); coding-DNA position 370, G replaced by A.
Protein change: p.Glu124Lys; replaces glutamic acid 124 with lysine.
Molecular consequence: missense variant.
Genome position (GRCh38, 1-based): chr3:69,937,837, G>A. VCF-style: chr3-69937837-G-A. GRCh37 (hg19) VCF-style: chr3-69986988-G-A.
Other names: c.49G>A, p.Glu17Lys (NM_000248.4, NM_001184968.2, NM_198158.3 and 1 more transcripts); c.214G>A, p.Glu72Lys (NM_001184967.2, NM_001354608.2); c.367G>A, p.Glu123Lys (NM_001354605.2, NM_001354606.2, NM_006722.3); c.319G>A, p.Glu107Lys (NM_001354607.2); c.370G>A, p.Glu124Lys (NM_198159.3); c.322G>A, p.Glu108Lys (NM_198177.3); short protein forms E107K, E108K, E123K, E17K, E72K, E124K.
Identifiers: ClinVar variation 2297452 (VCV002297452.7), dbSNP rs994568417, ClinGen allele CA16040405.
Genomic context (GRCh38, chr3:69,937,837, plus strand): 5'-ACAAATAACAGCGCTGTTTTCTTTTCCCTCCATGGCTATGTTCAGGTGCAGACCCACCTC[G>A]AAAACCCCACCAAGTACCACATACAGCAAGCCCAACGGCAGCAGGTAAAGCAGTACCTTT-3'
Protein context (NP_001341533.1, residues 114-134): MEVLKVQTHL[Glu124Lys]NPTKYHIQQA